The following is an entry in ClinVar:

NM_000059.4(BRCA2):c.2467del (p.Ala823fs)

Gene: BRCA2 (BRCA2 DNA repair associated; plus strand). Cytogenetic location: 13q13.1.
Variant type: Deletion.
Coding change: c.2467del on transcript NM_000059.4 (MANE Select); coding-DNA position 2467, one base deleted (G; older notation c.2467delG).
Protein change: p.Ala823fs; shifts the reading frame from alanine 823.
Molecular consequence: frameshift variant.
Genome position (GRCh38, 1-based): chr13:32,336,822, G deleted. VCF-style (leftmost placement, unchanged base first): chr13-32336821-TG-T. GRCh37 (hg19) VCF-style: chr13-32910958-TG-T.
Other names: c.2467delG, p.Ala823Leufs (NM_001406719.1, NM_001406720.1); short protein forms A823fs.
Identifiers: ClinVar variation 2038617 (VCV002038617.4), dbSNP rs2548524025, ClinGen allele CA2580087272.

ClinVar aggregate classification (germline): Pathogenic (1 of 4 stars; one submission).

Conditions:
Hereditary breast ovarian cancer syndrome. Also called: Hereditary breast and ovarian cancer syndrome (HBOC); Breast and ovarian cancer; Hereditary breast and ovarian cancer syndrome; Hereditary breast and/or ovarian cancer syndrome; BRCA1- and BRCA2-Associated Hereditary Breast and Ovarian Cancer; Hereditary breast and ovarian cancer. Identifiers: Orphanet 145, MedGen C0677776, MeSH D061325, MONDO:0003582. Disease mechanism: loss of function.

Submission:

Labcorp Genetics (formerly Invitae), Labcorp
Classification: Pathogenic for Hereditary breast ovarian cancer syndrome. Last evaluated: 2021-12-09. Review status: criteria provided, single submitter. Criteria: Invitae Variant Classification Sherloc (09022015). Collection method: clinical testing. Allele origin: germline.
Comment: For these reasons, this variant has been classified as Pathogenic. This variant has not been reported in the literature in individuals affected with BRCA2-related conditions. This variant is not present in population databases (gnomAD no frequency). This sequence change creates a premature translational stop signal (p.Ala823Leufs*2) in the BRCA2 gene. It is expected to result in an absent or disrupted protein product. Loss-of-function variants in BRCA2 are known to be pathogenic (PMID: 20104584).

Literature cited by the submitters: PubMed 20104584.